The following is an entry in ClinVar:

ClinVar aggregate classification (germline): Uncertain significance (1 of 4 stars; one submission).

Conditions:
Charcot-Marie-Tooth disease type 4. Also called: Charcot-Marie-Tooth disease, type IV; Charcot-Marie-Tooth, Type 4. Identifiers: Orphanet 64749, MedGen C4082197, MONDO:0018995.

Allele frequency attached by ClinVar (database versions not stated): gnomAD exomes below 0.00001 and 0.00001.
gnomAD v4.1: 5 of 1,613,364 alleles (0.00031%); highest among the groups gnomAD compares: South Asian, 0.0033%; no homozygotes.

Submission:

Labcorp Genetics (formerly Invitae), Labcorp
Classification: Uncertain significance for Charcot-Marie-Tooth disease type 4. Last evaluated: 2019-11-07. Review status: criteria provided, single submitter. Criteria: Invitae Variant Classification Sherloc (09022015). Collection method: clinical testing. Allele origin: germline.
Comment: In summary, the available evidence is currently insufficient to determine the role of this variant in disease. Therefore, it has been classified as a Variant of Uncertain Significance. Algorithms developed to predict the effect of missense changes on protein structure and function (SIFT, PolyPhen-2, Align-GVGD) all suggest that this variant is likely to be tolerated, but these predictions have not been confirmed by published functional studies and their clinical significance is uncertain. This variant has not been reported in the literature in individuals with SBF2-related conditions. This variant is not present in population databases (ExAC no frequency). This sequence change replaces arginine with glutamine at codon 860 of the SBF2 protein (p.Arg860Gln). The arginine residue is moderately conserved and there is a small physicochemical difference between arginine and glutamine.

NM_030962.4(SBF2):c.2579G>A (p.Arg860Gln)

Genes: SBF2 (SET binding factor 2; minus strand), LOC101928008 (uncharacterized LOC101928008; plus strand). Cytogenetic location: 11p15.4.
Variant type: single nucleotide variant.
Coding change: c.2579G>A on transcript NM_030962.4 (MANE Select); coding-DNA position 2579, G replaced by A.
Protein change: p.Arg860Gln; replaces arginine 860 with glutamine.
Molecular consequence: missense variant.
Genome position (GRCh38, 1-based): chr11:9,852,707, C>T on the plus strand (G>A on the coding strand, the complement: SBF2 is on the minus strand). VCF-style: chr11-9852707-C-T. GRCh37 (hg19) VCF-style: chr11-9874254-C-T.
Other names: c.2579G>A, p.Arg860Gln (NM_001386339.1); c.2450G>A, p.Arg817Gln (NM_001386342.1); short protein forms R860Q, R817Q.
Identifiers: ClinVar variation 964645 (VCV000964645.8), dbSNP rs1210393129, ClinGen allele CA379637091.